The following is an entry in ClinVar:

ClinVar aggregate classification (germline): Uncertain significance (1 of 4 stars; one submission).

Submission:

GeneDx
Classification: Uncertain significance. Last evaluated: 2022-09-02. Review status: criteria provided, single submitter. Criteria: GeneDx Variant Classification Process June 2021. Collection method: clinical testing. Allele origin: germline. Affected: yes.
Comment: Not observed at significant frequency in large population cohorts (gnomAD); In silico analysis supports that this missense variant has a deleterious effect on protein structure/function; Has not been previously published as pathogenic or benign to our knowledge

NM_018136.5(ASPM):c.6482A>G (p.Glu2161Gly)

Gene: ASPM (assembly factor for spindle microtubules; minus strand). Cytogenetic location: 1q31.3.
Variant type: single nucleotide variant.
Coding change: c.6482A>G on transcript NM_018136.5 (MANE Select); coding-DNA position 6482, A replaced by G.
Protein change: p.Glu2161Gly; replaces glutamic acid 2161 with glycine.
Molecular consequence: missense variant. On other transcripts: intron variant (1).
Genome position (GRCh38, 1-based): chr1:197,102,769, T>C on the plus strand (A>G on the coding strand, the complement: ASPM is on the minus strand). VCF-style: chr1-197102769-T-C. GRCh37 (hg19) VCF-style: chr1-197071899-T-C.
Other names: c.4066-6605A>G (NM_001206846.2); short protein forms E2161G.
Identifiers: ClinVar variation 2442452 (VCV002442452.1), dbSNP rs763090166, ClinGen allele CA344022799.
Genomic context (GRCh38, chr1:197,102,769, plus strand): 5'-CTTACTCCTCTAAAACTTGCCTGAAGGACTTTAACAGCTTTCAAAATTGTCAGGTACTTT[T>C]CACGCTGCATTTTACCTTGATAATATGCTCTACATCTTACTTGAATAACAATAGCTGCTT-3'
Protein context (NP_060606.3, residues 2151-2171): RAYYQGKMQR[Glu2161Gly]KYLTILKAVK